The following is an entry in ClinVar:

NM_007208.4(MRPL3):c.1032_1035del (p.Ile345fs)

Gene: MRPL3 (mitochondrial ribosomal protein L3; minus strand). Cytogenetic location: 3q22.1.
Variant type: Deletion.
Coding change: c.1032_1035del on transcript NM_007208.4 (MANE Select); coding-DNA positions 1032 to 1035, 4 bases deleted (TATT; older notation c.1032_1035delTATT).
Protein change: p.Ile345fs; shifts the reading frame from isoleucine 345.
Molecular consequence: frameshift variant.
Genome position (GRCh38, 1-based): chr3:131,462,735-131,462,738, AATA deleted on the plus strand (TATT on the coding strand, the reverse complement: MRPL3 is on the minus strand). VCF-style (leftmost placement, unchanged base first): chr3-131462734-TAATA-T. GRCh37 (hg19) VCF-style: chr3-131181578-TAATA-T.
Other names: short protein forms I345fs.
Identifiers: ClinVar variation 3899211 (VCV003899211.1).
Genomic context (GRCh38, chr3:131,462,734, plus strand): 5'-GCTCATCGAAGCTCACAGAATATGTAAGGTTCTGCCACGTCCAAAGATGTTAGGCAAATG[TAATA>T]GAAGGCGCACCGGGCTGACACACGTTTTCATCATACAAATCTTCTGGCAGTTCCTCTTCA-3'

ClinVar aggregate classification (germline): Uncertain significance (1 of 4 stars; one submission).

Submission:

GeneDx
Classification: Uncertain significance. Last evaluated: 2024-11-11. Review status: criteria provided, single submitter. Criteria: GeneDx Variant Classification Process June 2021. Collection method: clinical testing. Allele origin: germline. Affected: yes.
Comment: Not observed at significant frequency in large population cohorts (gnomAD); Has not been previously published as pathogenic or benign to our knowledge; Frameshift variant predicted to result in abnormal protein length as the last 4 amino acid(s) are replaced with 15 different amino acid(s) with an unclear effect on protein function